The following is an entry in ClinVar:

NM_001330260.2(SCN8A):c.2831G>A (p.Cys944Tyr)

Gene: SCN8A (sodium voltage-gated channel alpha subunit 8; plus strand). Cytogenetic location: 12q13.13.
Variant type: single nucleotide variant.
Coding change: c.2831G>A on transcript NM_001330260.2 (MANE Select); coding-DNA position 2831, G replaced by A.
Protein change: p.Cys944Tyr; replaces cysteine 944 with tyrosine.
Molecular consequence: missense variant.
Genome position (GRCh38, 1-based): chr12:51,765,957, G>A. VCF-style: chr12-51765957-G-A. GRCh37 (hg19) VCF-style: chr12-52159741-G-A.
Other names: c.2831G>A, p.Cys944Tyr (NM_001177984.3, NM_001369788.1, NM_014191.4); short protein forms C944Y.
Identifiers: ClinVar variation 3906071 (VCV003906071.10).

ClinVar aggregate classification (germline): Uncertain significance (1 of 4 stars; one submission).

Submission:

CeGaT Center for Human Genetics Tuebingen
Classification: Uncertain significance. Last evaluated: 2025-12-01. Review status: criteria provided, single submitter. Criteria: CeGaT Center For Human Genetics Tuebingen Variant Classification Criteria Version 2. Collection method: clinical testing. Allele origin: germline. Affected: yes. Observed: 4 variant alleles.
Comment: SCN8A: PM2, PP1, PP2, PP3